The following is an entry in ClinVar:

ClinVar aggregate classification (germline): Uncertain significance (1 of 4 stars; one submission).

Conditions:
Hereditary spastic paraplegia 11. Also called: SPASTIC PARAPLEGIA, AUTOSOMAL RECESSIVE, COMPLICATED, WITH THIN CORPUS CALLOSUM; SPASTIC PARAPLEGIA, AUTOSOMAL RECESSIVE, WITH MENTAL IMPAIRMENT AND THIN CORPUS CALLOSUM; Spastic paraplegia, mental retardation and thin corpus callosum; Nakamura Osame syndrome; Autosomal recessive hereditary spastic paraplegia, mental impairment, and thin corpus callosum; Spastic Paraplegia 11. Identifiers: Orphanet 2822, MedGen C1858479, MONDO:0011445, OMIM 604360.

Submission:

Labcorp Genetics (formerly Invitae), Labcorp
Classification: Uncertain significance for Hereditary spastic paraplegia 11. Last evaluated: 2019-02-26. Review status: criteria provided, single submitter. Criteria: Invitae Variant Classification Sherloc (09022015). Collection method: clinical testing. Allele origin: germline.
Comment: In summary, the available evidence is currently insufficient to determine the role of this variant in disease. Therefore, it has been classified as a Variant of Uncertain Significance. Algorithms developed to predict the effect of missense changes on protein structure and function (SIFT, PolyPhen-2, Align-GVGD) all suggest that this variant is likely to be tolerated, but these predictions have not been confirmed by published functional studies and their clinical significance is uncertain. This variant has not been reported in the literature in individuals with SPG11-related conditions. This variant is not present in population databases (ExAC no frequency). This sequence change replaces serine with alanine at codon 832 of the SPG11 protein (p.Ser832Ala). The serine residue is moderately conserved and there is a moderate physicochemical difference between serine and alanine.

NM_025137.4(SPG11):c.2494T>G (p.Ser832Ala)

Gene: SPG11 (SPG11 vesicle trafficking associated, spatacsin; minus strand). Cytogenetic location: 15q21.1.
Variant type: single nucleotide variant.
Coding change: c.2494T>G on transcript NM_025137.4 (MANE Select); coding-DNA position 2494, T replaced by G.
Protein change: p.Ser832Ala; replaces serine 832 with alanine.
Molecular consequence: missense variant.
Genome position (GRCh38, 1-based): chr15:44,621,885, A>C on the plus strand (T>G on the coding strand, the complement: SPG11 is on the minus strand). VCF-style: chr15-44621885-A-C. GRCh37 (hg19) VCF-style: chr15-44914083-A-C.
Other names: c.2494T>G, p.Ser832Ala (NM_001160227.2); short protein forms S832A.
Identifiers: ClinVar variation 858801 (VCV000858801.9), dbSNP rs2083762073, ClinGen allele CA392231675.